The following is an entry in ClinVar:

NM_001845.6(COL4A1):c.283C>A (p.Pro95Thr)

Gene: COL4A1 (collagen type IV alpha 1 chain; minus strand). Cytogenetic location: 13q34.
Variant type: single nucleotide variant.
Coding change: c.283C>A on transcript NM_001845.6 (MANE Select); coding-DNA position 283, C replaced by A.
Protein change: p.Pro95Thr; replaces proline 95 with threonine.
Molecular consequence: missense variant.
Genome position (GRCh38, 1-based): chr13:110,212,615, G>T on the plus strand (C>A on the coding strand, the complement: COL4A1 is on the minus strand). VCF-style: chr13-110212615-G-T. GRCh37 (hg19) VCF-style: chr13-110864962-G-T.
Other names: c.283C>A, p.Pro95Thr (NM_001303110.2); short protein forms P95T.
Identifiers: ClinVar variation 1962989 (VCV001962989.6), dbSNP rs1879866255, ClinGen allele CA388726659.

ClinVar aggregate classification (germline): Uncertain significance. Review status: criteria provided, multiple submitters, no conflicts (2 of 4 stars). 2 submissions from 2 submitters: Uncertain significance (2). Last evaluated 2024-06-05.

Conditions:
Autosomal dominant familial hematuria-retinal arteriolar tortuosity-contractures syndrome. Also called: Angiopathy, hereditary, with nephropathy, aneurysms, and muscle cramps; Hereditary Angiopathy with Nephropathy, Aneurysms, and Muscle Cramps (HANAC) Syndrome. Identifiers: Orphanet 73229, MedGen C2673195, MONDO:0012726, OMIM 611773.
Retinal arterial tortuosity. Also called: RETINAL HEMORRHAGE WITH VASCULAR TORTUOSITY; Retinal arteries, tortuosity of. Identifiers: Orphanet 75326, MedGen C0423401, MONDO:0008373, OMIM 180000, HP:0000631.
Microangiopathy and leukoencephalopathy, pontine, autosomal dominant. Also called: DEMENTIA, HEREDITARY MULTI-INFARCT, SWEDISH TYPE; Pontine autosomal dominant microangiopathy with leukoencephalopathy. Identifiers: Orphanet 477749, MedGen C5231411, MONDO:0032814, OMIM 618564.
Brain small vessel disease 1 with or without ocular anomalies (BSVD1). Also called: GOULD SYNDROME 1; BRAIN SMALL VESSEL DISEASE WITH HEMORRHAGE; Brain small vessel disease with or without ocular anomalies; PORENCEPHALY, TYPE 1, AUTOSOMAL DOMINANT. Identifiers: Orphanet 2940, Orphanet 36383, Orphanet 99810, MedGen C4755307, MONDO:0008289, OMIM 175780.
Hemorrhage, intracerebral, susceptibility to (ICH). Also called: Stroke, hemorrhagic, susceptibility to. Identifiers: MedGen C3281105, MONDO:0100533, OMIM 614519.

Allele frequency attached by ClinVar (database versions not stated): gnomAD exomes below 0.00001; TOPMed below 0.00001.
gnomAD v4.1: 3 of 1,613,990 alleles (0.00019%); highest among the groups gnomAD compares: East Asian, 0.0045%; no homozygotes.

Submissions (2):

Fulgent Genetics
Classification: Uncertain significance for Brain small vessel disease 1 with or without ocular anomalies; Retinal arterial tortuosity; Autosomal dominant familial hematuria-retinal arteriolar tortuosity-contractures syndrome; Hemorrhage, intracerebral, susceptibility to; Microangiopathy and leukoencephalopathy, pontine, autosomal dominant. Last evaluated: 2024-06-05. Review status: criteria provided, single submitter. Criteria: ACMG Guidelines, 2015. Collection method: clinical testing. Allele origin: germline.

Labcorp Genetics (formerly Invitae), Labcorp
Classification: Uncertain significance. Last evaluated: 2024-01-15. Review status: criteria provided, single submitter. Criteria: Invitae Variant Classification Sherloc (09022015). Collection method: clinical testing. Allele origin: germline.
Comment: This sequence change replaces proline, which is neutral and non-polar, with threonine, which is neutral and polar, at codon 95 of the COL4A1 protein (p.Pro95Thr). This variant is not present in population databases (gnomAD no frequency). This variant has not been reported in the literature in individuals affected with COL4A1-related conditions. ClinVar contains an entry for this variant (Variation ID: 1962989). Advanced modeling of protein sequence and biophysical properties (such as structural, functional, and spatial information, amino acid conservation, physicochemical variation, residue mobility, and thermodynamic stability) has been performed at Invitae for this missense variant, however the output from this modeling did not meet the statistical confidence thresholds required to predict the impact of this variant on COL4A1 protein function. In summary, the available evidence is currently insufficient to determine the role of this variant in disease. Therefore, it has been classified as a Variant of Uncertain Significance.